The following is an entry in ClinVar:

ClinVar aggregate classification (germline): Pathogenic/Likely pathogenic. Review status: criteria provided, multiple submitters, no conflicts (2 of 4 stars). 3 submissions from 3 submitters: Pathogenic (2); Likely pathogenic (1). Last evaluated 2024-09-09.

Conditions:
3-methylcrotonyl-CoA carboxylase 2 deficiency. Also called: 3 alpha methylcrotonyl-CoA carboxylase 2 deficiency; 3 alpha methylcrotonylglycinuria 2; MCC 2 deficiency; Methylcrotonylglycinuria type 2; METHYLCROTONYLGLYCINURIA, TYPE II. Identifiers: Orphanet 6, MedGen C1859499, MONDO:0008862, OMIM 210210.

Allele frequency attached by ClinVar (database versions not stated): TOPMed 0.00001; gnomAD exomes below 0.00001; gnomAD 0.00001.
gnomAD v4.1: 4 of 1,611,772 alleles (0.00025%); highest among the groups gnomAD compares: Non-Finnish European, 0.00034%; no homozygotes.

Submissions (3):

Natera, Inc.
Classification: Likely pathogenic for 3-methylcrotonyl-CoA carboxylase 2 deficiency. Last evaluated: 2024-09-09. Review status: criteria provided, single submitter. Criteria: Natera Variant Classification Schema (03/2026). Collection method: clinical testing. Allele origin: germline.
Comment: The c.142C>T variant in MCCC2 is a nonsense variant predicted to introduce a stop codon at amino acid 48. This variant is expected to result in nonsense mediated decay, truncation, or a dysfunctional protein product. This variant is rare in the general population with a frequency below the threshold expected for the associated phenotype(s). Given the available evidence, this variant is classified as Likely Pathogenic.

Myriad Genetics, Inc.
Classification: Pathogenic for 3-methylcrotonyl-CoA carboxylase 2 deficiency. Last evaluated: 2024-06-17. Review status: criteria provided, single submitter. Criteria: Myriad Autosomal Dominant, Autosomal Recessive and X-Linked Classification Criteria (2023). Collection method: clinical testing. Allele origin: unknown.
Comment: NM_022132.4(MCCC2):c.142C>T(Q48*) is expected to be pathogenic in the context of 3-methylcrotonyl-CoA carboxylase deficiency, MCCC2-related. This variant is predicted to lead to an abnormal or absent protein product due to the creation of a premature termination codon in MCCC2, a gene where loss-of-function variants are known to be pathogenic. Please note: this variant was assessed in the context of healthy population screening.

Eurofins Ntd Llc (ga)
Classification: Pathogenic. Last evaluated: 2018-05-15. Review status: criteria provided, single submitter. Criteria: EGL ClinVar v180209 classification definitions. Collection method: clinical testing. Allele origin: germline. Observed: 1 variant allele, 1 heterozygote.

NM_022132.5(MCCC2):c.142C>T (p.Gln48Ter)

Gene: MCCC2 (methylcrotonyl-CoA carboxylase subunit 2; plus strand). Cytogenetic location: 5q13.2.
Variant type: single nucleotide variant.
Coding change: c.142C>T on transcript NM_022132.5 (MANE Select); coding-DNA position 142, C replaced by T.
Protein change: p.Gln48Ter; replaces glutamine 48 with a stop codon.
Molecular consequence: nonsense.
Genome position (GRCh38, 1-based): chr5:71,592,938, C>T. VCF-style: chr5-71592938-C-T. GRCh37 (hg19) VCF-style: chr5-70888765-C-T.
Other names: c.142C>T (NM_022132.4); c.142C>T, p.Gln48Ter (NM_001363147.1); short protein forms Q48*.
Identifiers: ClinVar variation 597111 (VCV000597111.7), dbSNP rs1184301452, ClinGen allele CA360004703.